The following is an entry in ClinVar:

ClinVar aggregate classification (germline): Uncertain significance. Review status: criteria provided, multiple submitters, no conflicts (2 of 4 stars). 2 submissions from 2 submitters: Uncertain significance (2). Last evaluated 2026-09-08.

Conditions:
PLXNA2-related disorder. Also called: PLXNA2-related condition.

Allele frequency attached by ClinVar (database versions not stated): ESP Exome Variant Server 0.00008.
gnomAD v4.1: 31 of 1,614,124 alleles (0.0019%); highest among the groups gnomAD compares: Admixed American, 0.0017%; no homozygotes.

Submissions (2):

PreventionGenetics, part of Exact Sciences
Classification: Uncertain significance for PLXNA2-related condition. Last evaluated: 2026-09-08. Review status: criteria provided, single submitter. Criteria: ACMG Guidelines, 2015. Collection method: clinical testing. Allele origin: germline.
Comment: The PLXNA2 c.3952C>T variant is predicted to result in the amino acid substitution p.Arg1318Cys. To our knowledge, this variant has not been reported in the literature. This variant is reported in 0.040% of alleles in individuals of Ashkenazi Jewish descent in gnomAD. At this time, the clinical significance of this variant is uncertain due to the absence of conclusive functional and genetic evidence.

Labcorp Genetics (formerly Invitae), Labcorp
Classification: Uncertain significance. Last evaluated: 2023-06-03. Review status: criteria provided, single submitter. Criteria: Invitae Variant Classification Sherloc (09022015). Collection method: clinical testing. Allele origin: germline.
Comment: In summary, the available evidence is currently insufficient to determine the role of this variant in disease. Therefore, it has been classified as a Variant of Uncertain Significance. Advanced modeling of protein sequence and biophysical properties (such as structural, functional, and spatial information, amino acid conservation, physicochemical variation, residue mobility, and thermodynamic stability) performed at Invitae indicates that this missense variant is expected to disrupt PLXNA2 protein function. ClinVar contains an entry for this variant (Variation ID: 2146505). This variant has not been reported in the literature in individuals affected with PLXNA2-related conditions. This variant is present in population databases (rs371220095, gnomAD 0.04%). This sequence change replaces arginine, which is basic and polar, with cysteine, which is neutral and slightly polar, at codon 1318 of the PLXNA2 protein (p.Arg1318Cys).

NM_025179.4(PLXNA2):c.3952C>T (p.Arg1318Cys)

Gene: PLXNA2 (plexin A2; minus strand). Cytogenetic location: 1q32.2.
Variant type: single nucleotide variant.
Coding change: c.3952C>T on transcript NM_025179.4 (MANE Select); coding-DNA position 3952, C replaced by T.
Protein change: p.Arg1318Cys; replaces arginine 1318 with cysteine.
Molecular consequence: missense variant.
Genome position (GRCh38, 1-based): chr1:208,043,126, G>A on the plus strand (C>T on the coding strand, the complement: PLXNA2 is on the minus strand). VCF-style: chr1-208043126-G-A. GRCh37 (hg19) VCF-style: chr1-208216471-G-A.
Other names: c.3952C>T (NM_025179.3); short protein forms R1318C.
Identifiers: ClinVar variation 2146505 (VCV002146505.7), dbSNP rs371220095, ClinGen allele CA1373026.